The following is an entry in ClinVar:

NM_005026.5(PIK3CD):c.1571A>C (p.Tyr524Ser)

Gene: PIK3CD (phosphatidylinositol-4,5-bisphosphate 3-kinase catalytic subunit delta; plus strand). Cytogenetic location: 1p36.22.
Variant type: single nucleotide variant.
Coding change: c.1571A>C on transcript NM_005026.5 (MANE Select); coding-DNA position 1571, A replaced by C.
Protein change: p.Tyr524Ser; replaces tyrosine 524 with serine.
Molecular consequence: missense variant.
Genome position (GRCh38, 1-based): chr1:9,720,791, A>C. VCF-style: chr1-9720791-A-C. GRCh37 (hg19) VCF-style: chr1-9780849-A-C.
Other names: NM_005026.5(PIK3CD):c.1571A>C; p.Tyr524Ser; c.1568A>C, p.Tyr523Ser (NM_001350234.2); c.1484A>C, p.Tyr495Ser (NM_001350235.1); short protein forms Y524S, Y495S, Y523S.
Identifiers: ClinVar variation 1457684 (VCV001457684.8), dbSNP rs2100954945, ClinGen allele CA338303805.
Genomic context (GRCh38, chr1:9,720,791, plus strand): 5'-ACACCCCTCAGCAGCTGCAGCTGCGGGAAATCCTGGAGCGGCGGGGGTCTGGGGAGCTGT[A>C]TGAGCACGAGAAGGACCTGGTGTGGAAGCTGCGGCATGAAGTCCAGGAGCACTTCCCGGA-3'
Protein context (NP_005017.3, residues 514-534): ILERRGSGEL[Tyr524Ser]EHEKDLVWKL

ClinVar aggregate classification (germline): Likely pathogenic. Review status: reviewed by expert panel (3 of 4 stars). 2 submissions from 2 submitters: Likely pathogenic (1). 1 of the submissions does not count toward it. Last evaluated 2025-12-19.

Conditions:
Immunodeficiency 14 (IMD14A). Also called: ACTIVATED PI3K-DELTA SYNDROME 1; Activated PI3K Delta Syndrome Type 1 (APDS1); p110-DELTA-ACTIVATING MUTATION CAUSING SENESCENT T CELLS, LYMPHADENOPATHY, AND IMMUNODEFICIENCY; IMMUNODEFICIENCY 14A WITH LYMPHOPROLIFERATION, AUTOSOMAL DOMINANT. Identifiers: Orphanet 397596, Orphanet 693661, MedGen C5907821, MONDO:0014222, OMIM 615513.

Submissions (2):

ClinGen Primary Immune Regulatory Disorders Variant Curation Expert Panel, ClinGen
Classification: Likely pathogenic for Immunodeficiency 14. Last evaluated: 2025-12-19. Review status: reviewed by expert panel. Criteria: ClinGen AbDef ACMG Specifications PIK3CD V1.0.0. Collection method: curation. Allele origin: germline. Inheritance: Autosomal dominant inheritance.
Comment: NM_005026.5(PIK3CD):c.1571A>C (p.Tyr524Ser) is a missense variant predicted to cause substitution of tyrosine by serine at amino acid 524. Another missense variant in the same codon, NM_005026.5(PIK3CD):c.1570T>A (p.Tyr524Asn), has been classified as Likely Pathogenic for immunodeficiency 14 by the ClinGen Antibody Deficiencies VCEP and has a Grantham’s Distance score lower than the current variant of interest (PM5_Supporting). This variant is absent from gnomAD v4.1.0 (PM2_Supporting). At least one patient harboring this variant exhibited a phenotype that included disseminated cytomegalovirus infections (3 pts), lymphadenopathy (4 pts), high circulating IgM (0.5 pts) and low IgG (0.5 pts), failure to respond to pneumococcal vaccination, reactive lymph nodes with both follicular and paracortical hyperplasia (1 pt), and B lymphopenia (1 pt), with genotyping that did not identify an alternative basis for disease in the PIK3R1 gene, which together are highly specific for immunodeficiency 14. Additionally, patient peripheral blood mononuclear cells showed hyperactivation of the PI3Kδ-AKT-mTOR signaling pathway and enhanced phosphorylation of the S6 protein as measured by immunoblot (10 total points, PMID: 31031754, PP4_Moderate). This variant was identified as a de novo occurrence in the proband with unconfirmed parental relationships (PMID: 31031754, PS2_Moderate). The computational predictor REVEL gives a score of 0.370, which is above the ClinGen Antibody Deficiencies VCEP threshold of <0.290 and does not predict a non-damaging effect on PIK3CD function. The computational predictor CADD gives a PHRED score of 22.5, which is below the ClinGen Antibody Deficiencies VCEP threshold of <22.7 and predicts a non-deleterious effect on PIK3CD function. Because the two predictors do not agree on a non-damaging effect, BP4 is not met. In summary, this variant meets the criteria to be classified as likely pathogenic for immunodeficiency 14 based on the ACMG/AMP criteria applied, as specified by the ClinGen Antibody Deficiencies VCEP: PM5_Supporting, PS2_Moderate, PP4_Moderate, and PM2_Supporting. (VCEP specifications version 1.0.0).

Labcorp Genetics (formerly Invitae), Labcorp
Classification: Pathogenic for Activated PI3K-delta syndrome. Last evaluated: 2021-07-12. Review status: criteria provided, single submitter. Criteria: Invitae Variant Classification Sherloc (09022015). Collection method: clinical testing. Allele origin: germline. Not counted in ClinVar's aggregate classification.
Comment: This sequence change replaces tyrosine with serine at codon 524 of the PIK3CD protein (p.Tyr524Ser). The tyrosine residue is moderately conserved and there is a large physicochemical difference between tyrosine and serine. For these reasons, this variant has been classified as Pathogenic. This variant disrupts the p.Tyr524 amino acid residue in PIK3CD. Other variant(s) that disrupt this residue have been determined to be pathogenic (PMID: 30499059, 30138677 ). This suggests that this residue is clinically significant, and that variants that disrupt this residue are likely to be disease-causing. Experimental studies have shown that this variant affects PIK3CD protein function (PMID: 31031754). This variant has been observed in individual(s) with activated PI3K delta syndrome (PMID: 31031754). In at least one individual the variant was observed to be de novo. This variant is not present in population databases (ExAC no frequency).

Literature cited by the submitters: PubMed 30499059 (cited by Labcorp Genetics (formerly Invitae), Labcorp); PubMed 30138677 (cited by Labcorp Genetics (formerly Invitae), Labcorp); PubMed 31031754 (cited by Labcorp Genetics (formerly Invitae), Labcorp).